The following is an entry in ClinVar:

ClinVar aggregate classification (germline): Benign/Likely benign. Review status: criteria provided, multiple submitters, no conflicts (2 of 4 stars). 5 submissions from 4 submitters: Benign (1); Likely benign (4). Last evaluated 2026-01-02.

Conditions:
Connective tissue disorder. Also called: Connective tissue disease. Identifiers: MedGen C0009782, MONDO:0003900.
Multiple epiphyseal dysplasia type 1. Also called: COMP-Related Multiple Epiphyseal Dysplasia. Identifiers: Orphanet 93308, MedGen C1838280, MONDO:0007561, OMIM 132400.
Pseudoachondroplastic spondyloepiphyseal dysplasia syndrome (PSACH). Also called: PSEUDOACHONDROPLASTIC DYSPLASIA; COMP-Related Pseudoachondroplasia; Pseudoachondroplasia. Identifiers: Orphanet 750, MedGen C0410538, MONDO:0008322, OMIM 177170.

Allele frequency attached by ClinVar (database versions not stated): gnomAD 0.00017; gnomAD exomes 0.00021; TOPMed 0.00023; ExAC 0.00031.

Submissions (5):

Labcorp Genetics (formerly Invitae), Labcorp
Classification: Likely benign. Last evaluated: 2026-01-02. Review status: criteria provided, single submitter. Criteria: Invitae Variant Classification Sherloc (09022015). Collection method: clinical testing. Allele origin: germline.

Blueprint Genetics
Classification: Likely benign. Last evaluated: 2024-09-10. Review status: criteria provided, single submitter. Criteria: ACMG Guidelines, 2015. Collection method: clinical testing. Allele origin: germline.

Genome Diagnostics Laboratory, The Hospital for Sick Children
Classification: Benign for Connective tissue disorder. Last evaluated: 2020-03-01. Review status: criteria provided, single submitter. Criteria: ACMG Guidelines, 2015. Collection method: clinical testing. Allele origin: germline.

Illumina Laboratory Services, Illumina
Classification: Likely benign for Pseudoachondroplastic spondyloepiphyseal dysplasia syndrome. Last evaluated: 2018-01-13. Review status: criteria provided, single submitter. Criteria: ICSL Variant Classification Criteria 13 December 2019. Collection method: clinical testing. Allele origin: germline.
Comment: This variant was observed in the ICSL laboratory as part of a predisposition screen in an ostensibly healthy population. It had not been previously curated by ICSL or reported in the Human Gene Mutation Database (HGMD: prior to June 1st, 2018), and was therefore a candidate for classification through an automated scoring system. Utilizing variant allele frequency, disease prevalence and penetrance estimates, and inheritance mode, an automated score was calculated to assess if this variant is too frequent to cause the disease. Based on the score and internal cut-off values, a variant classified as likely benign is not then subjected to further curation. The score for this variant resulted in a classification of likely benign for this disease.

Illumina Laboratory Services, Illumina
Classification: Likely benign for Multiple epiphyseal dysplasia type 1. Last evaluated: 2018-01-13. Review status: criteria provided, single submitter. Criteria: ICSL Variant Classification Criteria 13 December 2019. Collection method: clinical testing. Allele origin: germline.
Comment: the same text as in the submission from Illumina Laboratory Services, Illumina above.

NM_000095.3(COMP):c.410T>C (p.Phe137Ser)

Gene: COMP (cartilage oligomeric matrix protein; minus strand). Cytogenetic location: 19p13.11.
Variant type: single nucleotide variant.
Coding change: c.410T>C on transcript NM_000095.3 (MANE Select); coding-DNA position 410, T replaced by C.
Protein change: p.Phe137Ser; replaces phenylalanine 137 with serine.
Molecular consequence: missense variant.
Genome position (GRCh38, 1-based): chr19:18,789,278, A>G on the plus strand (T>C on the coding strand, the complement: COMP is on the minus strand). VCF-style: chr19-18789278-A-G. GRCh37 (hg19) VCF-style: chr19-18900087-A-G.
Other names: short protein forms F137S.
Identifiers: ClinVar variation 328623 (VCV000328623.17), dbSNP rs757094319, ClinGen allele CA9316729.